The following is an entry in ClinVar:

ClinVar aggregate classification (germline): Pathogenic (0 of 4 stars; one submission).

Conditions:
Seizures, benign familial neonatal, 1. Also called: KCNQ2-Related Benign Familial Neonatal Epilepsy; Benign Neonatal Epilepsy 1; KCNQ2-Related Self-Limited Familial Neonatal Epilepsy (SLFNE); Seizures, benign neonatal, 1. Identifiers: Orphanet 1949, MedGen C3149074, MONDO:0007365, OMIM 121200.

Submission:

GeneReviews
Classification: Pathogenic for Seizures, benign familial neonatal, 1. Last evaluated: 2016-03-31. Review status: no assertion criteria provided. Collection method: literature only. Allele origin: germline. Affected: yes.
Comment: BFNE (benign familial neonatal epilepsy)

Literature cited by the submitters: PubMed 17675531; PubMed 25982755.

NM_172107.2:c.1-?c.993+?del

Gene: KCNQ2 (potassium voltage-gated channel subfamily Q member 2; minus strand). Cytogenetic location: 20q13.33.
Variant type: Deletion.
Identifiers: ClinVar variation 369740 (VCV000369740.1).